The following is an entry in ClinVar:

ClinVar aggregate classification (germline): Uncertain significance. Review status: criteria provided, multiple submitters, no conflicts (2 of 4 stars). 3 submissions from 3 submitters: Uncertain significance (3). Last evaluated 2025-09-01.

Conditions:
Inborn genetic diseases. Identifiers: MedGen C0950123, MeSH D030342.

Allele frequency attached by ClinVar (database versions not stated): ExAC 0.00002; gnomAD exomes 0.00002 and 0.00001; TOPMed 0.00001.
gnomAD v4.1: 30 of 1,614,126 alleles (0.0019%); highest among the groups gnomAD compares: Non-Finnish European, 0.002%; no homozygotes.

Submissions (3):

Ambry Genetics
Classification: Uncertain significance for Inborn genetic diseases. Last evaluated: 2025-09-01. Review status: criteria provided, single submitter. Criteria: Ambry Variant Classification Scheme 2023. Collection method: clinical testing. Allele origin: germline.

GeneDx
Classification: Uncertain significance. Last evaluated: 2025-04-14. Review status: criteria provided, single submitter. Criteria: GeneDx Variant Classification Process June 2021. Collection method: clinical testing. Allele origin: germline. Affected: yes.
Comment: Not observed at significant frequency in large population cohorts (gnomAD); In silico analysis indicates that this missense variant does not alter protein structure/function; Has not been previously published as pathogenic or benign to our knowledge

Labcorp Genetics (formerly Invitae), Labcorp
Classification: Uncertain significance. Last evaluated: 2022-02-05. Review status: criteria provided, single submitter. Criteria: Invitae Variant Classification Sherloc (09022015). Collection method: clinical testing. Allele origin: germline.
Comment: This sequence change replaces arginine, which is basic and polar, with histidine, which is basic and polar, at codon 2102 of the CAD protein (p.Arg2102His). This variant is present in population databases (rs751027476, gnomAD 0.003%). This variant has not been reported in the literature in individuals affected with CAD-related conditions. Algorithms developed to predict the effect of missense changes on protein structure and function (SIFT, PolyPhen-2, Align-GVGD) all suggest that this variant is likely to be tolerated. In summary, the available evidence is currently insufficient to determine the role of this variant in disease. Therefore, it has been classified as a Variant of Uncertain Significance.

NM_004341.5(CAD):c.6305G>A (p.Arg2102His)

Genes: CAD (carbamoyl-phosphate synthetase 2, aspartate transcarbamylase, and dihydroorotase; plus strand), LOC126806172 (CDK7 strongly-dependent group 2 enhancer GRCh37_chr2:27465505-27466704; plus strand). Cytogenetic location: 2p23.3.
Variant type: single nucleotide variant.
Coding change: c.6305G>A on transcript NM_004341.5 (MANE Select); coding-DNA position 6305, G replaced by A.
Protein change: p.Arg2102His; replaces arginine 2102 with histidine.
Molecular consequence: missense variant.
Genome position (GRCh38, 1-based): chr2:27,242,702, G>A. VCF-style: chr2-27242702-G-A. GRCh37 (hg19) VCF-style: chr2-27465570-G-A.
Other names: c.6116G>A, p.Arg2039His (NM_001306079.2); c.6305G>A (NM_004341.3); short protein forms R2102H, R2039H.
Identifiers: ClinVar variation 1523853 (VCV001523853.7), dbSNP rs751027476, ClinGen allele CA1574166.